The following is an entry in ClinVar:

NM_000535.7(PMS2):c.1757C>T (p.Ser586Phe)

Gene: PMS2 (PMS1 homolog 2, mismatch repair system component; minus strand). Cytogenetic location: 7p22.1.
Variant type: single nucleotide variant.
Coding change: c.1757C>T on transcript NM_000535.7 (MANE Select); coding-DNA position 1757, C replaced by T.
Protein change: p.Ser586Phe; replaces serine 586 with phenylalanine.
Molecular consequence: missense variant. On other transcripts: non-coding transcript variant (1), intron variant (1).
Genome position (GRCh38, 1-based): chr7:5,987,008, G>A on the plus strand (C>T on the coding strand, the complement: PMS2 is on the minus strand). VCF-style: chr7-5987008-G-A. GRCh37 (hg19) VCF-style: chr7-6026639-G-A.
Other names: c.1352C>T, p.Ser451Phe (NM_001018040.1, NM_001322003.2, NM_001322004.2 and 17 more transcripts); c.1601C>T, p.Ser534Phe (NM_001322006.2, NM_001406870.1); c.1439C>T, p.Ser480Phe (NM_001322007.2, NM_001322008.2, NM_001406876.1 and 2 more transcripts); c.1196C>T, p.Ser399Phe (NM_001322010.2, NM_001406906.1, NM_001406907.1); c.824C>T, p.Ser275Phe (NM_001322011.2, NM_001322012.2); c.1184C>T, p.Ser395Phe (NM_001322013.2, NM_001406909.1); c.1757C>T, p.Ser586Phe (NM_001322014.2, NM_001406871.1, NM_001406872.1); c.1448C>T, p.Ser483Phe (NM_001322015.2, NM_001406875.1, NM_001406877.1 and 5 more transcripts); and 13 more; short protein forms S275F, S399F, S415F, S464F, S530F, S594F, S474F, S483F.
Identifiers: ClinVar variation 2451586 (VCV002451586.4), dbSNP rs1335723102, ClinGen allele CA366740004.

ClinVar aggregate classification (germline): Uncertain significance. Review status: criteria provided, multiple submitters, no conflicts (2 of 4 stars). 2 submissions from 2 submitters: Uncertain significance (2). Last evaluated 2024-07-28.

Conditions:
Hereditary cancer-predisposing syndrome. Also called: Neoplastic Syndromes, Hereditary; Tumor predisposition; Hereditary neoplastic syndrome; Hereditary Cancer Syndrome. Identifiers: Orphanet 140162, MedGen C0027672, MeSH D009386, MONDO:0015356.
Hereditary nonpolyposis colorectal neoplasms. Identifiers: MedGen C0009405, MeSH D003123.

Submissions (2):

Labcorp Genetics (formerly Invitae), Labcorp
Classification: Uncertain significance for Hereditary nonpolyposis colorectal neoplasms. Last evaluated: 2024-07-28. Review status: criteria provided, single submitter. Criteria: Invitae Variant Classification Sherloc (09022015). Collection method: clinical testing. Allele origin: germline.
Comment: This sequence change replaces serine, which is neutral and polar, with phenylalanine, which is neutral and non-polar, at codon 586 of the PMS2 protein (p.Ser586Phe). This variant is not present in population databases (gnomAD no frequency). This variant has not been reported in the literature in individuals affected with PMS2-related conditions. ClinVar contains an entry for this variant (Variation ID: 2451586). Advanced modeling of protein sequence and biophysical properties (such as structural, functional, and spatial information, amino acid conservation, physicochemical variation, residue mobility, and thermodynamic stability) performed at Invitae indicates that this missense variant is not expected to disrupt PMS2 protein function with a negative predictive value of 80%. In summary, the available evidence is currently insufficient to determine the role of this variant in disease. Therefore, it has been classified as a Variant of Uncertain Significance.

Ambry Genetics
Classification: Uncertain significance for Hereditary cancer-predisposing syndrome. Last evaluated: 2022-11-10. Review status: criteria provided, single submitter. Criteria: Ambry Variant Classification Scheme 2023. Collection method: clinical testing. Allele origin: germline.
Comment: The p.S586F variant (also known as c.1757C>T), located in coding exon 11 of the PMS2 gene, results from a C to T substitution at nucleotide position 1757. The serine at codon 586 is replaced by phenylalanine, an amino acid with highly dissimilar properties. This amino acid position is conserved. In addition, this alteration is predicted to be tolerated by in silico analysis. Since supporting evidence is limited at this time, the clinical significance of this alteration remains unclear.